The following is an entry in ClinVar:

ClinVar aggregate classification (germline): Pathogenic. Review status: criteria provided, single submitter (1 of 4 stars). 3 submissions from 3 submitters: Pathogenic (1). 2 of the submissions do not count toward it. Last evaluated 2026-01-06.

Conditions:
Primary ciliary dyskinesia. Also called: Ciliary dyskinesia. Identifiers: Orphanet 244, MedGen C0008780, MONDO:0016575, HP:0012265.

Allele frequency attached by ClinVar (database versions not stated): gnomAD exomes 0.00001 and 0.00003; TOPMed 0.00003; gnomAD 0.00006.

Submissions (3):

Labcorp Genetics (formerly Invitae), Labcorp
Classification: Pathogenic for Primary ciliary dyskinesia. Last evaluated: 2026-01-06. Review status: criteria provided, single submitter. Criteria: Invitae Variant Classification Sherloc (09022015). Collection method: clinical testing. Allele origin: germline.
Comment: This sequence change affects the initiator codon of the RSPH9 mRNA. This change may impact translation initiation or efficiency. The next in-frame methionine is located at codon 33. This variant is present in population databases (no rsID available, gnomAD 0.02%). Disruption of the initiator codon has been observed in individuals with primary ciliary dyskinesia (PMID: 23993197, 25789548; internal data). ClinVar contains an entry for this variant (Variation ID: 1297692). For these reasons, this variant has been classified as Pathogenic.

Diagnostic Laboratory, Department of Genetics, University Medical Center Groningen
Classification: Pathogenic. Review status: no assertion criteria provided. Collection method: clinical testing. Allele origin: germline. Affected: yes. Study: VKGL Data-share Consensus. Not counted in ClinVar's aggregate classification.

Joint Genome Diagnostic Labs from Nijmegen and Maastricht, Radboudumc and MUMC+
Classification: Likely pathogenic. Review status: no assertion criteria provided. Collection method: clinical testing. Allele origin: germline. Affected: yes. Study: VKGL Data-share Consensus. Not counted in ClinVar's aggregate classification.

Literature cited by the submitters: PubMed 23993197 (cited by Labcorp Genetics (formerly Invitae), Labcorp); PubMed 25789548 (cited by Labcorp Genetics (formerly Invitae), Labcorp).

NM_152732.5(RSPH9):c.2T>C (p.Met1Thr)

Gene: RSPH9 (radial spoke head component 9; plus strand). Cytogenetic location: 6p21.1.
Variant type: single nucleotide variant.
Coding change: c.2T>C on transcript NM_152732.5 (MANE Select); coding-DNA position 2, T replaced by C.
Protein change: p.Met1Thr; changes the start codon (methionine 1).
Molecular consequence: missense variant, initiator codon variant. On other transcripts: non-coding transcript variant (2).
Genome position (GRCh38, 1-based): chr6:43,645,100, T>C. VCF-style: chr6-43645100-T-C. GRCh37 (hg19) VCF-style: chr6-43612837-T-C.
Other names: c.2T>C, p.Met1Thr (NM_001193341.2, NM_001424119.1, NM_001424120.1 and 1 more transcripts); short protein forms M1T.
Identifiers: ClinVar variation 1297692 (VCV001297692.9), dbSNP rs1395940101, ClinGen allele CA364286815.
Genomic context (GRCh38, chr6:43,645,100, plus strand): 5'-CTCCATGGAGGCGGCTTCTCCTAGCAACTCGACGGGCGTTGAGCGGAGCCGCTGACCTGA[T>C]GGACGCCGACAGCCTCCTGCTGTCTCTGGAGCTGGCGTCCGGCAGTGGGCAGGGCCTCAG-3'
Protein context (NP_689945.2, residues 1-11): [Met1Thr]DADSLLLSLE